The following is an entry in ClinVar:

NM_001271.4(CHD2):c.1396C>T (p.Arg466Ter)

Gene: CHD2 (chromodomain helicase DNA binding protein 2; plus strand). Cytogenetic location: 15q26.1.
Variant type: single nucleotide variant.
Coding change: c.1396C>T on transcript NM_001271.4 (MANE Select); coding-DNA position 1396, C replaced by T.
Protein change: p.Arg466Ter; replaces arginine 466 with a stop codon.
Molecular consequence: nonsense.
Genome position (GRCh38, 1-based): chr15:92,948,970, C>T. VCF-style: chr15-92948970-C-T. GRCh37 (hg19) VCF-style: chr15-93492200-C-T.
Other names: c.1396C>T, p.Arg466Ter (NM_001042572.3); short protein forms R466*.
Identifiers: ClinVar variation 92097 (VCV000092097.18), dbSNP rs398123000, ClinGen allele CA345421.
Genomic context (GRCh38, chr15:92,948,970, plus strand): 5'-GCAGTAAGAACATTTTCTCAGACTTGGGCTTTTGTTTTTCAGGCCCTGAAGCAGAGACCA[C>T]GATTTGTAGCTTTAAAGAAACAACCTGCATATTTAGGAGGGGAGAATCTGGAACTTCGAG-3'

ClinVar aggregate classification (germline): Pathogenic. Review status: criteria provided, multiple submitters, no conflicts (2 of 4 stars). 6 submissions from 6 submitters: Pathogenic (5). 1 of the submissions does not count toward it. Last evaluated 2025-12-22.

Conditions:
CHD2-related disorder. Also called: CHD2-related condition.
Developmental and epileptic encephalopathy 94 (DEE94). Also called: Epileptic encephalopathy, childhood-onset; CHD2-Related Neurodevelopmental Disorders. Identifiers: Orphanet 1942, Orphanet 2382, MedGen C3809278, MONDO:0014150, OMIM 615369.
Epilepsy. Also called: Seizure disorder. Identifiers: MedGen C0014544, MeSH D004827, MONDO:0005027.

Submissions (6):

Cytogénomique, Hospices Civils de Lyon
Classification: Pathogenic for Epilepsy. Last evaluated: 2025-12-22. Review status: criteria provided, single submitter. Criteria: ACMG Guidelines, 2015. Collection method: clinical testing. Allele origin: germline. Affected: yes.

Labcorp Genetics (formerly Invitae), Labcorp
Classification: Pathogenic for Developmental and epileptic encephalopathy 94. Last evaluated: 2025-05-11. Review status: criteria provided, single submitter. Criteria: Invitae Variant Classification Sherloc (09022015). Collection method: clinical testing. Allele origin: germline.
Comment: This sequence change creates a premature translational stop signal (p.Arg466*) in the CHD2 gene. It is expected to result in an absent or disrupted protein product. Loss-of-function variants in CHD2 are known to be pathogenic (PMID: 23708187, 24207121). This variant is not present in population databases (gnomAD no frequency). This premature translational stop signal has been observed in individual(s) with epileptic encephalopathy (PMID: 24207121). In at least one individual the variant was observed to be de novo. ClinVar contains an entry for this variant (Variation ID: 92097). For these reasons, this variant has been classified as Pathogenic.

Blueprint Genetics
Classification: Pathogenic for CHD2-related disorders. Last evaluated: 2023-10-25. Review status: criteria provided, single submitter. Criteria: ACMG Guidelines, 2015. Collection method: clinical testing. Allele origin: de novo. Affected: yes. Observed: 2 variant alleles.

GeneDx
Classification: Pathogenic. Last evaluated: 2023-09-15. Review status: criteria provided, single submitter. Criteria: GeneDx Variant Classification Process June 2021. Collection method: clinical testing. Allele origin: germline. Affected: yes.
Comment: Nonsense variant predicted to result in protein truncation or nonsense mediated decay in a gene for which loss of function is a known mechanism of disease; Not observed at significant frequency in large population cohorts (gnomAD); This variant is associated with the following publications: (PMID: 24834135, 24207121, 31440721)

Institute of Human Genetics Munich, TUM University Hospital
Classification: Pathogenic for Developmental and epileptic encephalopathy 94. Last evaluated: 2023-05-17. Review status: criteria provided, single submitter. Criteria: Classification criteria August 2017. Collection method: clinical testing. Allele origin: de novo. Inheritance: Autosomal dominant inheritance. Affected: yes. Observed: 1 variant allele.

OMIM
Classification: Pathogenic for DEVELOPMENTAL AND EPILEPTIC ENCEPHALOPATHY 94. Last evaluated: 2013-11-07. Review status: no assertion criteria provided. Collection method: literature only. Allele origin: germline. Not counted in ClinVar's aggregate classification.

Literature cited by the submitters: PubMed 23708187 (cited by Labcorp Genetics (formerly Invitae), Labcorp); PubMed 24207121 (cited by 3 submitters).